The following is an entry in ClinVar:

ClinVar aggregate classification (germline): Uncertain significance. Review status: criteria provided, multiple submitters, no conflicts (2 of 4 stars). 2 submissions from 2 submitters: Uncertain significance (2). Last evaluated 2023-10-13.

Conditions:
KITLG-related disorder. Also called: KITLG-related condition.

Allele frequency attached by ClinVar (database versions not stated): ExAC 0.00002; gnomAD exomes 0.00002.
gnomAD v4.1: 33 of 1,593,732 alleles (0.0021%); highest among the groups gnomAD compares: Non-Finnish European, 0.0028%; no homozygotes.

Submissions (2):

Labcorp Genetics (formerly Invitae), Labcorp
Classification: Uncertain significance. Last evaluated: 2023-10-13. Review status: criteria provided, single submitter. Criteria: Invitae Variant Classification Sherloc (09022015). Collection method: clinical testing. Allele origin: germline.
Comment: This sequence change replaces aspartic acid, which is acidic and polar, with glycine, which is neutral and non-polar, at codon 122 of the KITLG protein (p.Asp122Gly). The frequency data for this variant in the population databases is considered unreliable, as metrics indicate poor data quality at this position in the gnomAD database. This variant has not been reported in the literature in individuals affected with KITLG-related conditions. An algorithm developed to predict the effect of missense changes on protein structure and function (PolyPhen-2) suggests that this variant is likely to be tolerated. In summary, the available evidence is currently insufficient to determine the role of this variant in disease. Therefore, it has been classified as a Variant of Uncertain Significance.

PreventionGenetics, part of Exact Sciences
Classification: Uncertain significance for KITLG-related condition. Last evaluated: 2023-05-31. Review status: criteria provided, single submitter. Criteria: ACMG Guidelines, 2015. Collection method: clinical testing. Allele origin: germline.
Comment: The KITLG c.365A>G variant is predicted to result in the amino acid substitution p.Asp122Gly. To our knowledge, this variant has not been reported in the literature. This variant is reported in 0.0027% of alleles in individuals of European (Non-Finnish) descent in gnomAD. At this time, the clinical significance of this variant is uncertain due to the absence of conclusive functional and genetic evidence.

NM_000899.5(KITLG):c.365A>G (p.Asp122Gly)

Gene: KITLG (KIT ligand; minus strand). Cytogenetic location: 12q21.32.
Variant type: single nucleotide variant.
Coding change: c.365A>G on transcript NM_000899.5 (MANE Select); coding-DNA position 365, A replaced by G.
Protein change: p.Asp122Gly; replaces aspartic acid 122 with glycine.
Molecular consequence: missense variant.
Genome position (GRCh38, 1-based): chr12:88,516,489, T>C on the plus strand (A>G on the coding strand, the complement: KITLG is on the minus strand). VCF-style: chr12-88516489-T-C. GRCh37 (hg19) VCF-style: chr12-88910266-T-C.
Other names: c.365A>G, p.Asp122Gly (NM_003994.6); short protein forms D122G.
Identifiers: ClinVar variation 2636503 (VCV002636503.4), dbSNP rs746162770, ClinGen allele CA6713703.
Genomic context (GRCh38, chr12:88,516,489, plus strand): 5'-CTAAAGAATTCTTCAGGAGTAAAGAGCCTGGGTTCTGGGCTCTTGAATGATTTTTTTAGA[T>C]CCTAGAAGAAAAAATAGGATTACATTTTTCAAATAGTCTTCAGACTTAACTGAGGTGAAG-3'
Protein context (NP_000890.1, residues 112-132): VECVKENSSK[Asp122Gly]LKKSFKSPEP